The following is an entry in ClinVar:

NM_006279.5(ST3GAL3):c.612A>C (p.Thr204=)

Gene: ST3GAL3 (ST3 beta-galactoside alpha-2,3-sialyltransferase 3; plus strand). Cytogenetic location: 1p34.1.
Variant type: single nucleotide variant.
Coding change: c.612A>C on transcript NM_006279.5 (MANE Select); coding-DNA position 612, A replaced by C.
Protein change: p.Thr204=; no amino-acid change (threonine 204 retained).
Molecular consequence: synonymous variant. On other transcripts: non-coding transcript variant (5), intron variant (7).
Genome position (GRCh38, 1-based): chr1:43,899,595, A>C. VCF-style: chr1-43899595-A-C. GRCh37 (hg19) VCF-style: chr1-44365267-A-C.
Other names: c.819A>C (NM_174963.3); c.612A>C, p.Thr204= (NM_001270459.2, NM_001350620.2, NM_174966.4); c.519A>C, p.Thr173= (NM_001270460.2); c.564A>C, p.Thr188= (NM_001270461.3, NM_001410781.1, NM_174969.4); c.471A>C, p.Thr157= (NM_001270462.3); c.657A>C, p.Thr219= (NM_001350619.2, NM_174964.4); c.333A>C, p.Thr111= (NM_001350621.2); c.774A>C, p.Thr258= (NM_001363573.2, NM_174968.5); and 9 more.
Identifiers: ClinVar variation 2912715 (VCV002912715.5), dbSNP rs1393138239, ClinGen allele CA417514134.

ClinVar aggregate classification (germline): Likely benign. Review status: criteria provided, single submitter (1 of 4 stars). 2 submissions from 2 submitters: Likely benign (1). 1 of the submissions does not count toward it. Last evaluated 2025-05-14.

Conditions:
Early-infantile DEE. Also called: Early infantile epileptic encephalopathy; Ohtahara syndrome; Early infantile epileptic encephalopathy with suppression bursts. Identifiers: Orphanet 1934, MedGen C0393706, MONDO:0800491.
ST3GAL3-related disorder. Also called: ST3GAL3-Related Disorders; ST3GAL3-related condition.

Allele frequency attached by ClinVar (database versions not stated): TOPMed 0.00002; gnomAD exomes 0.00001; gnomAD 0.00001.
gnomAD v4.1: 11 of 1,613,980 alleles (0.00068%); highest among the groups gnomAD compares: Non-Finnish European, 0.00085%; no homozygotes.

Submissions (2):

Labcorp Genetics (formerly Invitae), Labcorp
Classification: Likely benign for Early-infantile DEE. Last evaluated: 2025-05-14. Review status: criteria provided, single submitter. Criteria: Invitae Variant Classification Sherloc (09022015). Collection method: clinical testing. Allele origin: germline.

PreventionGenetics, part of Exact Sciences
Classification: Likely benign for ST3GAL3-related condition. Last evaluated: 2019-06-26. Review status: no assertion criteria provided. Collection method: clinical testing. Allele origin: germline. Not counted in ClinVar's aggregate classification.
Comment: This variant is classified as likely benign based on ACMG/AMP sequence variant interpretation guidelines (Richards et al. 2015 PMID: 25741868, with internal and published modifications).